The following is an entry in ClinVar:

ClinVar aggregate classification (germline): Uncertain significance (1 of 4 stars; one submission).

Conditions:
Inborn genetic diseases. Identifiers: MedGen C0950123, MeSH D030342.

Submission:

Ambry Genetics
Classification: Uncertain significance for Inborn genetic diseases. Last evaluated: 2021-06-12. Review status: criteria provided, single submitter. Criteria: Ambry Variant Classification Scheme 2023. Collection method: clinical testing. Allele origin: germline.
Comment: The p.G682V variant (also known as c.2045G>T), located in coding exon 13 of the IGHMBP2 gene, results from a G to T substitution at nucleotide position 2045. The glycine at codon 682 is replaced by valine, an amino acid with dissimilar properties. This amino acid position is conserved. In addition, this alteration is predicted to be tolerated by in silico analysis. Since supporting evidence is limited at this time, the clinical significance of this alteration remains unclear.

NM_002180.3(IGHMBP2):c.2045G>T (p.Gly682Val)

Gene: IGHMBP2 (immunoglobulin mu DNA binding protein 2; plus strand). Cytogenetic location: 11q13.3.
Variant type: single nucleotide variant.
Coding change: c.2045G>T on transcript NM_002180.3 (MANE Select); coding-DNA position 2045, G replaced by T.
Protein change: p.Gly682Val; replaces glycine 682 with valine.
Molecular consequence: missense variant.
Genome position (GRCh38, 1-based): chr11:68,936,525, G>T. VCF-style: chr11-68936525-G-T. GRCh37 (hg19) VCF-style: chr11-68703993-G-T.
Other names: short protein forms G682V.
Identifiers: ClinVar variation 1784960 (VCV001784960.2), dbSNP rs2496072064, ClinGen allele CA381652696.